The following is an entry in ClinVar:

ClinVar aggregate classification (germline): Uncertain significance (1 of 4 stars; one submission).

Submission:

GeneDx
Classification: Uncertain significance. Last evaluated: 2025-01-06. Review status: criteria provided, single submitter. Criteria: GeneDx Variant Classification Process June 2021. Collection method: clinical testing. Allele origin: germline.
Comment: Not observed at significant frequency in large population cohorts (gnomAD); In silico analysis supports that this missense variant has a deleterious effect on protein structure/function; Has not been previously published as pathogenic or benign to our knowledge

NM_000257.4(MYH7):c.196G>A (p.Gly66Ser)

Gene: MYH7 (myosin heavy chain 7; minus strand). Cytogenetic location: 14q11.2.
Variant type: single nucleotide variant.
Coding change: c.196G>A on transcript NM_000257.4 (MANE Select); coding-DNA position 196, G replaced by A.
Protein change: p.Gly66Ser; replaces glycine 66 with serine.
Molecular consequence: missense variant.
Genome position (GRCh38, 1-based): chr14:23,433,537, C>T on the plus strand (G>A on the coding strand, the complement: MYH7 is on the minus strand). VCF-style: chr14-23433537-C-T. GRCh37 (hg19) VCF-style: chr14-23902746-C-T.
Other names: c.196G>A, p.Gly66Ser (NM_001407004.1); short protein forms G66S.
Identifiers: ClinVar variation 2662427 (VCV002662427.2), dbSNP rs2502322049, ClinGen allele CA389053593.